The following is an entry in ClinVar:

ClinVar aggregate classification (germline): Uncertain significance. Review status: criteria provided, multiple submitters, no conflicts (2 of 4 stars). 2 submissions from 2 submitters: Uncertain significance (2). Last evaluated 2024-09-18.

Conditions:
Hereditary cancer-predisposing syndrome. Also called: Tumor predisposition; Hereditary neoplastic syndrome; Neoplastic Syndromes, Hereditary; Hereditary Cancer Syndrome. Identifiers: Orphanet 140162, MedGen C0027672, MeSH D009386, MONDO:0015356.
Familial adenomatous polyposis 1 (FAP1). Also called: FAMILIAL ADENOMATOUS POLYPOSIS 1, ATTENUATED; POLYPOSIS, ADENOMATOUS INTESTINAL. Identifiers: MedGen C2713442, MONDO:0021056, OMIM 175100. Disease mechanism: loss of function.

Submissions (2):

Ambry Genetics
Classification: Uncertain significance for Hereditary cancer-predisposing syndrome. Last evaluated: 2024-09-18. Review status: criteria provided, single submitter. Criteria: Ambry Variant Classification Scheme 2023. Collection method: clinical testing. Allele origin: germline.
Comment: The p.E1168K variant (also known as c.3502G>A), located in coding exon 15 of the APC gene, results from a G to A substitution at nucleotide position 3502. The glutamic acid at codon 1168 is replaced by lysine, an amino acid with similar properties. This amino acid position is well conserved in available vertebrate species. In addition, in silico predictors for this gene do not accurately predict pathogenicity. Missense alterations in APC are not a common cause of disease (Spier I et al. Genet Med. 2024 Feb;26(2):100992). Based on the available evidence, the clinical significance of this variant remains unclear.

Labcorp Genetics (formerly Invitae), Labcorp
Classification: Uncertain significance for Familial adenomatous polyposis 1. Last evaluated: 2022-10-13. Review status: criteria provided, single submitter. Criteria: Invitae Variant Classification Sherloc (09022015). Collection method: clinical testing. Allele origin: germline.
Comment: ClinVar contains an entry for this variant (Variation ID: 1495546). This variant has not been reported in the literature in individuals affected with APC-related conditions. This variant is not present in population databases (gnomAD no frequency). This sequence change replaces glutamic acid, which is acidic and polar, with lysine, which is basic and polar, at codon 1168 of the APC protein (p.Glu1168Lys). In summary, the available evidence is currently insufficient to determine the role of this variant in disease. Therefore, it has been classified as a Variant of Uncertain Significance. Advanced modeling of protein sequence and biophysical properties (such as structural, functional, and spatial information, amino acid conservation, physicochemical variation, residue mobility, and thermodynamic stability) performed at Invitae indicates that this missense variant is not expected to disrupt APC protein function.

NM_000038.6(APC):c.3502G>A (p.Glu1168Lys)

Gene: APC (APC regulator of Wnt signaling pathway; plus strand). Cytogenetic location: 5q22.2.
Variant type: single nucleotide variant.
Coding change: c.3502G>A on transcript NM_000038.6 (MANE Select); coding-DNA position 3502, G replaced by A.
Protein change: p.Glu1168Lys; replaces glutamic acid 1168 with lysine.
Molecular consequence: missense variant.
Genome position (GRCh38, 1-based): chr5:112,839,096, G>A. VCF-style: chr5-112839096-G-A. GRCh37 (hg19) VCF-style: chr5-112174793-G-A.
Other names: c.3502G>A, p.Glu1168Lys (NM_001127510.3, NM_001354895.2); c.3448G>A, p.Glu1150Lys (NM_001127511.3); c.3556G>A, p.Glu1186Lys (NM_001354896.2); c.3532G>A, p.Glu1178Lys (NM_001354897.2); c.3427G>A, p.Glu1143Lys (NM_001354898.2); c.3418G>A, p.Glu1140Lys (NM_001354899.2); c.3379G>A, p.Glu1127Lys (NM_001354900.2); c.3325G>A, p.Glu1109Lys (NM_001354901.2); and 6 more; short protein forms E1042K, E1143K, E1186K, E1067K, E1150K, E1178K, E1077K, E1109K.
Identifiers: ClinVar variation 1495546 (VCV001495546.9), dbSNP rs2149893243, ClinGen allele CA16029022.